The following is an entry in ClinVar:

NM_005901.6(SMAD2):c.278T>A (p.Ile93Lys)

Gene: SMAD2 (SMAD family member 2; minus strand). Cytogenetic location: 18q21.1.
Variant type: single nucleotide variant.
Coding change: c.278T>A on transcript NM_005901.6 (MANE Select); coding-DNA position 278, T replaced by A.
Protein change: p.Ile93Lys; replaces isoleucine 93 with lysine.
Molecular consequence: missense variant. On other transcripts: intron variant (1).
Genome position (GRCh38, 1-based): chr18:47,870,523, A>T on the plus strand (T>A on the coding strand, the complement: SMAD2 is on the minus strand). VCF-style: chr18-47870523-A-T. GRCh37 (hg19) VCF-style: chr18-45396894-A-T.
Other names: c.278T>A, p.Ile93Lys (NM_001003652.4); c.237-1087T>A (NM_001135937.3); short protein forms I93K.
Identifiers: ClinVar variation 4170014 (VCV004170014.1).
Genomic context (GRCh38, chr18:47,870,523, plus strand): 5'-CAGAATATTCACCTGGTTTGTTCAGAGAAGCTGTAAAGGCCTGTTGTATCCCACTGATCT[A>T]TCGTATTTGGTGTACTCAGTCCCCAAATTTCAGAGCAAGTGCTGTGCATAAATTGAAAAA-3'
Protein context (NP_005892.1, residues 83-103): EIWGLSTPNT[Ile93Lys]DQWDTTGLYS

ClinVar aggregate classification (germline): Uncertain significance (1 of 4 stars; one submission).

Conditions:
Inborn genetic diseases. Identifiers: MedGen C0950123, MeSH D030342.

Submission:

Ambry Genetics
Classification: Uncertain significance for Inborn genetic diseases. Last evaluated: 2025-07-09. Review status: criteria provided, single submitter. Criteria: Ambry Variant Classification Scheme 2023. Collection method: clinical testing. Allele origin: germline.
Comment: The p.I93K variant (also known as c.278T>A), located in coding exon 2 of the SMAD2 gene, results from a T to A substitution at nucleotide position 278. The isoleucine at codon 93 is replaced by lysine, an amino acid with dissimilar properties. This amino acid position is conserved. In addition, this alteration is predicted to be deleterious by in silico analysis. Based on the available evidence, the clinical significance of this variant remains unclear.